The following is an entry in ClinVar:

NM_001101362.3(KBTBD13):c.625A>T (p.Asn209Tyr)

Gene: KBTBD13 (kelch repeat and BTB domain containing 13; plus strand). Cytogenetic location: 15q22.31.
Variant type: single nucleotide variant.
Coding change: c.625A>T on transcript NM_001101362.3 (MANE Select); coding-DNA position 625, A replaced by T.
Protein change: p.Asn209Tyr; replaces asparagine 209 with tyrosine.
Molecular consequence: missense variant.
Genome position (GRCh38, 1-based): chr15:65,077,440, A>T. VCF-style: chr15-65077440-A-T. GRCh37 (hg19) VCF-style: chr15-65369778-A-T.
Other names: short protein forms N209Y.
Identifiers: ClinVar variation 2712552 (VCV002712552.3), dbSNP rs753243393, ClinGen allele CA7613947.

ClinVar aggregate classification (germline): Uncertain significance (1 of 4 stars; one submission).

Conditions:
Nemaline myopathy 6 (NEM6). Also called: Nemaline myopathy 6, autosomal dominant. Identifiers: Orphanet 171439, MedGen C1836472, MONDO:0012237, OMIM 609273.

Allele frequency attached by ClinVar (database versions not stated): 1000 Genomes Project 30x 0.00016.

Submission:

Labcorp Genetics (formerly Invitae), Labcorp
Classification: Uncertain significance for Nemaline myopathy 6. Last evaluated: 2023-08-10. Review status: criteria provided, single submitter. Criteria: Invitae Variant Classification Sherloc (09022015). Collection method: clinical testing. Allele origin: germline.
Comment: In summary, the available evidence is currently insufficient to determine the role of this variant in disease. Therefore, it has been classified as a Variant of Uncertain Significance. Advanced modeling of protein sequence and biophysical properties (such as structural, functional, and spatial information, amino acid conservation, physicochemical variation, residue mobility, and thermodynamic stability) performed at Invitae indicates that this missense variant is expected to disrupt KBTBD13 protein function. This variant has not been reported in the literature in individuals affected with KBTBD13-related conditions. This variant is present in population databases (rs753243393, gnomAD 0.03%). This sequence change replaces asparagine, which is neutral and polar, with tyrosine, which is neutral and polar, at codon 209 of the KBTBD13 protein (p.Asn209Tyr).